The following is an entry in ClinVar:

NM_005431.2(XRCC2):c.39+1G>T

Gene: XRCC2 (X-ray repair cross complementing 2; minus strand). Cytogenetic location: 7q36.1.
Variant type: single nucleotide variant.
Coding change: c.39+1G>T on transcript NM_005431.2 (MANE Select); the canonical splice donor site of the intron after coding-DNA position 39, G replaced by T.
Molecular consequence: splice donor variant.
Genome position (GRCh38, 1-based): chr7:152,676,040, C>A on the plus strand (G>T on the coding strand, the complement: XRCC2 is on the minus strand). VCF-style: chr7-152676040-C-A. GRCh37 (hg19) VCF-style: chr7-152373125-C-A.
Identifiers: ClinVar variation 1736016 (VCV001736016.2), dbSNP rs560785131, ClinGen allele CA370199568.

ClinVar aggregate classification (germline): Uncertain significance (1 of 4 stars; one submission).

Conditions:
Hereditary cancer-predisposing syndrome. Also called: Neoplastic Syndromes, Hereditary; Tumor predisposition; Hereditary Cancer Syndrome; Hereditary neoplastic syndrome. Identifiers: Orphanet 140162, MedGen C0027672, MeSH D009386, MONDO:0015356.

Submission:

Ambry Genetics
Classification: Uncertain significance for Hereditary cancer-predisposing syndrome. Last evaluated: 2022-03-11. Review status: criteria provided, single submitter. Criteria: Ambry Variant Classification Scheme 2023. Collection method: clinical testing. Allele origin: germline.
Comment: The c.39+1G>T intronic variant results from a G to T substitution one nucleotide after coding exon 1 of the XRCC2 gene. Alterations that disrupt the canonical splice site are expected to result in aberrant splicing. In silico splice site analysis predicts that this alteration may result in the creation or strengthening of a novel splice donor site. The resulting transcript is predicted to be in-frame and is not expected to trigger nonsense-mediated mRNA decay; however, direct evidence is unavailable. The exact functional effect of the altered amino acid sequence is unknown. This nucleotide position is highly conserved in available vertebrate species. Since supporting evidence is limited at this time, the clinical significance of this alteration remains unclear.